The following is an entry in ClinVar:

NC_000010.10:g.(?_68940065)_(68940288_?)dup

Gene: CTNNA3 (catenin alpha 3; minus strand). Cytogenetic location: 10q21.3.
Variant type: Duplication.
Identifiers: ClinVar variation 1024931 (VCV001024931.1).

ClinVar aggregate classification (germline): Uncertain significance (1 of 4 stars; one submission).

Conditions:
Arrhythmogenic right ventricular dysplasia 13. Also called: Arrhythmogenic right ventricular dysplasia, familial, 13; ARRHYTHMOGENIC RIGHT VENTRICULAR CARDIOMYOPATHY 13. Identifiers: MedGen C3810138, MONDO:0000908, OMIM 615616.

Submission:

Labcorp Genetics (formerly Invitae), Labcorp
Classification: Uncertain significance for Arrhythmogenic right ventricular dysplasia 13. Last evaluated: 2020-09-25. Review status: criteria provided, single submitter. Criteria: Invitae Variant Classification Sherloc (09022015). Collection method: clinical testing. Allele origin: germline.
Comment: This variant is a gross duplication of the genomic region encompassing exon 7 of the CTNNA3 gene. While the exact position of the duplicated exons cannot be determined from this data, the duplicated copy of this region is likely in tandem and in-frame, therefore preserving the integrity of the reading frame. This variant has not been reported in the literature in individuals with a CTNNA3-related disease. In summary, the exact genomic location of this variant is unknown and the impact of this duplication on CTNNA3 protein function has not been established. Therefore, it has been classified as a Variant of Uncertain Significance.